The following is an entry in ClinVar:

NC_000016.10:g.(?_3727698)_(4802591_?)dup

Genes: ADCY9 (adenylate cyclase 9; minus strand), ANKS3 (ankyrin repeat and sterile alpha motif domain containing 3; minus strand), C16orf96 (chromosome 16 open reading frame 96; plus strand), CDIP1 (cell death inducing p53 target 1; minus strand), CORO7 (coronin 7; minus strand) and 18 more. Cytogenetic location: 16p13.3.
Variant type: Duplication.
Identifiers: ClinVar variation 831384 (VCV000831384.2).

ClinVar aggregate classification (germline): Uncertain significance (1 of 4 stars; one submission).

Conditions:
Amelocerebrohypohidrotic syndrome (KTZS). Also called: EPILEPSY AND YELLOW TEETH; EPILEPSY, DEMENTIA, AND AMELOGENESIS IMPERFECTA; KOHLSCHUTTER SYNDROME; Kohlschutter's syndrome. Identifiers: Orphanet 1946, MedGen C0406740, MONDO:0009185, OMIM 226750.

Submission:

Labcorp Genetics (formerly Invitae), Labcorp
Classification: Uncertain significance for Kohlschutter syndrome. Last evaluated: 2019-08-14. Review status: criteria provided, single submitter. Criteria: Invitae Variant Classification Sherloc (09022015). Collection method: clinical testing. Allele origin: germline.
Comment: This variant results in a copy number gain of the genomic region encompassing the full coding sequence of the ROGDI gene. The boundaries of this event are unknown as they extend beyond the assayed region for this gene and therefore may encompass additional genes. As the precise location of this event is unknown, it may be in tandem or it may be located elsewhere in the genome. This variant has not been reported in the literature in individuals with ROGDI-related conditions. In summary, the available evidence is currently insufficient to determine the role of this variant in disease. Therefore, it has been classified as a Variant of Uncertain Significance.